The following is an entry in ClinVar:

ClinVar aggregate classification (germline): Likely pathogenic (1 of 4 stars; one submission).

Conditions:
Dilated cardiomyopathy 1G (CMD1G). Identifiers: Orphanet 154, MedGen C1858763, MONDO:0011400, OMIM 604145.
Autosomal recessive limb-girdle muscular dystrophy type 2J (LGMDR10). Also called: Limb-girdle muscular dystrophy, type 2J; MUSCULAR DYSTROPHY, LIMB-GIRDLE, AUTOSOMAL RECESSIVE 10. Identifiers: Orphanet 140922, MedGen C1837342, MONDO:0012127, OMIM 608807.

Submission:

Labcorp Genetics (formerly Invitae), Labcorp
Classification: Likely pathogenic for Dilated cardiomyopathy 1G; Autosomal recessive limb-girdle muscular dystrophy type 2J. Last evaluated: 2022-11-14. Review status: criteria provided, single submitter. Criteria: Invitae Variant Classification Sherloc (09022015). Collection method: clinical testing. Allele origin: germline.
Comment: This sequence change creates a premature translational stop signal (p.Trp17516Glyfs*9) in the TTN gene. While this is not anticipated to result in nonsense mediated decay, it is expected to create a truncated TTN protein. This variant is not present in population databases (gnomAD no frequency). This variant has not been reported in the literature in individuals affected with TTN-related conditions. This variant is located in the A band of TTN (PMID: 25589632). Truncating variants in this region are significantly overrepresented in patients affected with dilated cardiomyopathy (PMID: 25589632). Truncating variants in this region have also been reported in individuals affected with autosomal recessive centronuclear myopathy (PMID: 23975875). In summary, the currently available evidence indicates that the variant is pathogenic, but additional data are needed to prove that conclusively. Therefore, this variant has been classified as Likely Pathogenic.

Literature cited by the submitters: PubMed 25589632; PubMed 23975875.

NM_001267550.2(TTN):c.52546del (p.Trp17516fs)

Genes: TTN (titin; minus strand), TTN-AS1 (TTN antisense RNA 1; plus strand), LOC126806425 (BRD4-independent group 4 enhancer GRCh37_chr2:179471933-179473132; plus strand). Cytogenetic location: 2q31.2.
Variant type: Deletion.
Coding change: c.52546del on transcript NM_001267550.2 (MANE Select); coding-DNA position 52546, one base deleted (T; older notation c.52546delT).
Protein change: p.Trp17516fs; shifts the reading frame from tryptophan 17516.
Molecular consequence: frameshift variant.
Genome position (GRCh38, 1-based): chr2:178,608,337, A deleted on the plus strand (T on the coding strand, the reverse complement: TTN is on the minus strand); the first of 2 consecutive A bases (chr2:178,608,337-178,608,338); deleting either gives the same sequence. VCF-style (leftmost placement, unchanged base first): chr2-178608336-CA-C. GRCh37 (hg19) VCF-style: chr2-179473063-CA-C.
Other names: c.47623del, p.Trp15875fs (NM_001256850.1); c.25351del, p.Trp8451fs (NM_003319.4); c.44842del, p.Trp14948fs (NM_133378.4); c.25726del, p.Trp8576fs (NM_133432.3); c.25927del, p.Trp8643fs (NM_133437.4); short protein forms W17516fs, W8576fs, W14948fs, W15875fs, W8451fs, W8643fs.
Identifiers: ClinVar variation 2029384 (VCV002029384.4), dbSNP rs2470331077, ClinGen allele CA2580064670.
Genomic context (GRCh38, chr2:178,608,336, plus strand): 5'-TCTAATAAGCCATCTACATTGGCTTTCAAGGCATTCAGAAGGCTTTTGTTGACACGAGAC[CA>C]ATGTGTACTGTTAACTTCACGTTTTTCAAGCCAGTAACCCAAAATGGGGCTTCCATTATC-3'